The following is an entry in ClinVar:

ClinVar aggregate classification (germline): Benign/Likely benign. Review status: criteria provided, multiple submitters, no conflicts (2 of 4 stars). 4 submissions from 4 submitters: Benign (1); Likely benign (2). 1 of the submissions does not count toward it. Last evaluated 2026-01-28.

Conditions:
ZIC1-related disorder. Also called: ZIC1-related condition.

Allele frequency attached by ClinVar (database versions not stated): gnomAD exomes 0.00078 and 0.00193; gnomAD 0.00756 and 0.00830; 1000 Genomes Project 0.00759; ESP Exome Variant Server 0.00815; 1000 Genomes Project 30x 0.00843; TOPMed 0.00870.
gnomAD v4.1: 2,357 of 1,614,254 alleles (0.15%); highest among the groups gnomAD compares: African/African-American, 2.7%; 34 homozygotes.

Submissions (4):

Labcorp Genetics (formerly Invitae), Labcorp
Classification: Benign. Last evaluated: 2026-01-28. Review status: criteria provided, single submitter. Criteria: Invitae Variant Classification Sherloc (09022015). Collection method: clinical testing. Allele origin: germline.

GeneDx
Classification: Likely benign. Last evaluated: 2021-02-15. Review status: criteria provided, single submitter. Criteria: GeneDx Variant Classification Process June 2021. Collection method: clinical testing. Allele origin: germline. Affected: yes.

Breakthrough Genomics
Classification: Likely benign. Review status: criteria provided, single submitter. Criteria: ACMG Guidelines, 2015. Collection method: not provided. Allele origin: germline. Inheritance: Autosomal dominant inheritance. Affected: yes.

PreventionGenetics, part of Exact Sciences
Classification: Benign for ZIC1-related condition. Last evaluated: 2019-10-09. Review status: no assertion criteria provided. Collection method: clinical testing. Allele origin: germline. Not counted in ClinVar's aggregate classification.
Comment: This variant is classified as benign based on ACMG/AMP sequence variant interpretation guidelines (Richards et al. 2015 PMID: 25741868, with internal and published modifications).

NM_003412.4(ZIC1):c.789C>T (p.Gly263=)

Gene: ZIC1 (Zic family zinc finger 1; plus strand). Cytogenetic location: 3q24.
Variant type: single nucleotide variant.
Coding change: c.789C>T on transcript NM_003412.4 (MANE Select); coding-DNA position 789, C replaced by T.
Protein change: p.Gly263=; no amino-acid change (glycine 263 retained).
Molecular consequence: synonymous variant.
Genome position (GRCh38, 1-based): chr3:147,410,901, C>T. VCF-style: chr3-147410901-C-T. GRCh37 (hg19) VCF-style: chr3-147128688-C-T.
Identifiers: ClinVar variation 720324 (VCV000720324.16), dbSNP rs142534672, ClinGen allele CA2657130.